The following is an entry in ClinVar:

NM_000051.4(ATM):c.6097C>G (p.Leu2033Val)

Genes: ATM (ATM serine/threonine kinase; plus strand), C11orf65 (chromosome 11 open reading frame 65; minus strand). Cytogenetic location: 11q22.3.
Variant type: single nucleotide variant.
Coding change: c.6097C>G on transcript NM_000051.4 (MANE Select); coding-DNA position 6097, C replaced by G.
Protein change: p.Leu2033Val; replaces leucine 2033 with valine.
Molecular consequence: missense variant. On other transcripts: intron variant (2).
Genome position (GRCh38, 1-based): chr11:108,316,012, C>G. VCF-style: chr11-108316012-C-G. GRCh37 (hg19) VCF-style: chr11-108186739-C-G.
Other names: c.6097C>G, p.Leu2033Val (NM_001351834.2); c.641-6941G>C (NM_001330368.2); c.*39-6941G>C (NM_001351110.2); short protein forms L2033V.
Identifiers: ClinVar variation 1398144 (VCV001398144.11), dbSNP rs769813736, ClinGen allele CA382550295.
Genomic context (GRCh38, chr11:108,316,012, plus strand): 5'-TTATGAAGGAGTTATGTGTGTGTAAAACCCAAAGCTATTTTCACAATCTTTTCTTATAGA[C>G]TACGAACATATGAACACGAAGCAATGTGGGGCAAAGCCCTAGTAACATATGACCTCGAAA-3'
Protein context (NP_000042.3, residues 2023-2043): GGKMLQPITR[Leu2033Val]RTYEHEAMWG

ClinVar aggregate classification (germline): Uncertain significance. Review status: criteria provided, multiple submitters, no conflicts (2 of 4 stars). 2 submissions from 2 submitters: Uncertain significance (2). Last evaluated 2021-06-04.

Conditions:
Ataxia-telangiectasia syndrome (AT). Also called: Ataxia-telangiectasia; LOUIS-BAR SYNDROME; Ataxia-telangiectasia, complementation group D; AT, COMPLEMENTATION GROUP C; ATAXIA-TELANGIECTASIA, COMPLEMENTATION GROUP A; ATAXIA-TELANGIECTASIA, FRESNO VARIANT. Identifiers: Orphanet 100, MedGen C0004135, MONDO:0008840, OMIM 208900.
Hereditary cancer-predisposing syndrome. Also called: Tumor predisposition; Neoplastic Syndromes, Hereditary; Hereditary Cancer Syndrome; Hereditary neoplastic syndrome. Identifiers: Orphanet 140162, MedGen C0027672, MeSH D009386, MONDO:0015356.

Submissions (2):

Labcorp Genetics (formerly Invitae), Labcorp
Classification: Uncertain significance for Ataxia-telangiectasia syndrome. Last evaluated: 2021-06-04. Review status: criteria provided, single submitter. Criteria: Invitae Variant Classification Sherloc (09022015). Collection method: clinical testing. Allele origin: germline.
Comment: This sequence change replaces leucine with valine at codon 2033 of the ATM protein (p.Leu2033Val). The leucine residue is weakly conserved and there is a small physicochemical difference between leucine and valine. This variant is not present in population databases (ExAC no frequency). This variant has not been reported in the literature in individuals with ATM-related conditions. Algorithms developed to predict the effect of missense changes on protein structure and function (SIFT, PolyPhen-2, Align-GVGD) all suggest that this variant is likely to be tolerated, but these predictions have not been confirmed by published functional studies and their clinical significance is uncertain. Algorithms developed to predict the effect of sequence changes on RNA splicing suggest that this variant may create or strengthen a splice site, but this prediction has not been confirmed by published transcriptional studies. In summary, the available evidence is currently insufficient to determine the role of this variant in disease. Therefore, it has been classified as a Variant of Uncertain Significance.

Ambry Genetics
Classification: Uncertain significance for Hereditary cancer-predisposing syndrome. Last evaluated: 2019-12-31. Review status: criteria provided, single submitter. Criteria: Ambry Variant Classification Scheme 2023. Collection method: clinical testing. Allele origin: germline.
Comment: The p.L2033V variant (also known as c.6097C>G), located in coding exon 41 of the ATM gene, results from a C to G substitution at nucleotide position 6097. The leucine at codon 2033 is replaced by valine, an amino acid with highly similar properties. This amino acid position is not well conserved in available vertebrate species. In addition, this alteration is predicted to be tolerated by in silico analysis. Since supporting evidence is limited at this time, the clinical significance of this alteration remains unclear.